The following is an entry in ClinVar:

ClinVar aggregate classification (germline): Likely pathogenic (1 of 4 stars; one submission).

Conditions:
Familial thoracic aortic aneurysm and aortic dissection (TAAD). Also called: Thoracic aortic aneurysms and dissections. Identifiers: Orphanet 91387, MedGen C4707243, MONDO:0019625.

Submission:

Labcorp Genetics (formerly Invitae), Labcorp
Classification: Likely pathogenic for Familial thoracic aortic aneurysm and aortic dissection. Last evaluated: 2024-11-06. Review status: criteria provided, single submitter. Criteria: Invitae Variant Classification Sherloc (09022015). Collection method: clinical testing. Allele origin: germline.
Comment: This sequence change affects a splice site in intron 7 of the TGFBR1 gene. It is expected to disrupt RNA splicing. Variants that disrupt the donor or acceptor splice site typically lead to a loss of protein function (PMID: 16199547), and loss-of-function variants in TGFBR1 are known to be pathogenic (PMID: 21358634). This variant is not present in population databases (gnomAD no frequency). This variant has not been reported in the literature in individuals affected with TGFBR1-related conditions. This variant is also known as c.1255+2T>G. ClinVar contains an entry for this variant (Variation ID: 2862726). In summary, the currently available evidence indicates that the variant is pathogenic, but additional data are needed to prove that conclusively. Therefore, this variant has been classified as Likely Pathogenic.

Literature cited by the submitters: PubMed 16199547; PubMed 21358634.

NM_004612.4(TGFBR1):c.1228_1255+1dup

Gene: TGFBR1 (transforming growth factor beta receptor 1; plus strand). Cytogenetic location: 9q22.33.
Variant type: Duplication.
Coding change: c.1228_1255+1dup on transcript NM_004612.4 (MANE Select); coding-DNA position 1228 through the canonical splice donor site of the intron after coding-DNA position 1255, 29 bases duplicated (GAAATTGCTCGACGATGTTCCATTGGTGG).
Molecular consequence: splice donor variant.
Genome position (GRCh38, 1-based): chr9:99,146,582-99,146,610, GAAATTGCTCGACGATGTTCCATTGGTGG duplicated; duplicating any 29 consecutive bases within chr9:99,146,579-99,146,610 gives the same sequence; the c. name uses the placement nearest the transcript's 3' end. VCF-style (leftmost placement, unchanged base first): chr9-99146578-C-CTGGGAAATTGCTCGACGATGTTCCATTGG. GRCh37 (hg19) VCF-style: chr9-101908860-C-CTGGGAAATTGCTCGACGATGTTCCATTGG.
Other names: c.1033_1060+1dup (NM_001407418.1, NM_001407419.1, NM_001407422.1 and 1 more transcripts); c.1021_1048+1dup (NM_001407423.1, NM_001407424.1, NM_001407425.1 and 8 more transcripts); c.1240_1267+1dup (NM_001306210.2); c.1072_1099+1dup (NM_001407416.1); c.1060_1087+1dup (NM_001407417.1); c.997_1024+1dup (NM_001407435.1, NM_001130916.3); c.982_1009+1dup (NM_001407436.1); c.751_778+1dup (NM_001407438.1); and 1 more.
Identifiers: ClinVar variation 2862726 (VCV002862726.3), dbSNP rs2490251246, ClinGen allele CA2739264896.